The following is an entry in ClinVar:

ClinVar aggregate classification (germline): Likely pathogenic (1 of 4 stars; one submission).

Submission:

Dasa
Classification: Likely pathogenic. Last evaluated: 2025-01-06. Review status: criteria provided, single submitter. Criteria: DASA Assertion Criteria. Collection method: clinical testing. Allele origin: germline.
Comment: NM_000089.4(COL1A2):c.2674-2A>G affects a canonical splice site and is predicted to disrupt normal RNA splicing. Loss of function is an established disease mechanism for COL1A2-associated disorders. Also, this variant is absent from population databases. Based on the currently available evidence, this variant is classified as likely pathogenic.

NM_000089.4(COL1A2):c.2674-2A>G

Gene: COL1A2 (collagen type I alpha 2 chain; plus strand). Cytogenetic location: 7q21.3.
Variant type: single nucleotide variant.
Coding change: c.2674-2A>G on transcript NM_000089.4 (MANE Select); the canonical splice acceptor site of the intron before coding-DNA position 2674, A replaced by G.
Molecular consequence: splice acceptor variant.
Genome position (GRCh38, 1-based): chr7:94,425,115, A>G. VCF-style: chr7-94425115-A-G. GRCh37 (hg19) VCF-style: chr7-94054427-A-G.
Identifiers: ClinVar variation 4884942 (VCV004884942.2).